The following is an entry in ClinVar:

ClinVar aggregate classification (germline): Uncertain significance (1 of 4 stars; one submission).

Conditions:
Cobblestone lissencephaly without muscular or ocular involvement. Also called: Lissencephaly 5; LEUKOENCEPHALOPATHY WITH VARIABLE CORTICAL BRAIN MALFORMATIONS AND/OR HYDROCEPHALUS. Identifiers: Orphanet 352682, MedGen C3554657, MONDO:0014077, OMIM 615191.

gnomAD v4.1: 11 of 1,614,198 alleles (0.00068%); highest among the groups gnomAD compares: African/African-American, 0.0027%; no homozygotes.

Submission:

Daryl Scott Lab, Baylor College of Medicine
Classification: Uncertain significance for Cobblestone lissencephaly without muscular or ocular involvement. Review status: criteria provided, single submitter. Criteria: ACMG Guidelines, 2015. Collection method: clinical testing. Allele origin: paternal. Affected: yes. Observed: 1 compound heterozygote.
Comment: PM2, PP3

NM_002291.3(LAMB1):c.2545C>T (p.Arg849Trp)

Gene: LAMB1 (laminin subunit beta 1; minus strand). Cytogenetic location: 7q31.1.
Variant type: single nucleotide variant.
Coding change: c.2545C>T on transcript NM_002291.3 (MANE Select); coding-DNA position 2545, C replaced by T.
Protein change: p.Arg849Trp; replaces arginine 849 with tryptophan.
Molecular consequence: missense variant.
Genome position (GRCh38, 1-based): chr7:107,959,394, G>A on the plus strand (C>T on the coding strand, the complement: LAMB1 is on the minus strand). VCF-style: chr7-107959394-G-A. GRCh37 (hg19) VCF-style: chr7-107599839-G-A.
Other names: short protein forms R849W.
Identifiers: ClinVar variation 4279663 (VCV004279663.1).
Genomic context (GRCh38, chr7:107,959,394, plus strand): 5'-ACTGGCAGGGCTGGCAACTTGGAAAGCCCCAGTGCCCAGGTAAGCACCGATCACACTGCC[G>A]AGCATACACTCCCTGGAAACAGTGGCACTGGCCAGTGACGGGATTGCAGAAGGCATTGAC-3'
Protein context (NP_002282.2, residues 839-859): QCHCFQGVYA[Arg849Trp]QCDRCLPGHW